The following is an entry in ClinVar:

ClinVar aggregate classification (germline): Uncertain significance (1 of 4 stars; one submission).

Conditions:
Developmental and epileptic encephalopathy, 31A. Also called: Epileptic encephalopathy, early infantile, 31; Developmental and epileptic encephalopathy, 31. Identifiers: Orphanet 2382, MedGen C4225357, MONDO:0014598, OMIM 616346.

Submission:

3billion
Classification: Uncertain significance for Developmental and epileptic encephalopathy, 31A. Last evaluated: 2024-06-12. Review status: criteria provided, single submitter. Criteria: ACMG Guidelines, 2015. Collection method: clinical testing. Allele origin: germline. Affected: yes.
Comment: The variant is not observed in the gnomAD v4.0.0 dataset. Predicted Consequence/Location: Missense changes are a common disease-causing mechanism. In silico tool predictions suggest damaging effect of the variant on gene or gene product [REVEL: 0.82 (>=0.6, sensitivity 0.68 and specificity 0.92)]. Therefore, this variant is classified as VUS according to the recommendation of ACMG/AMP guideline.

NM_004408.4(DNM1):c.17T>A (p.Met6Lys)

Genes: CIZ1 (CDKN1A interacting zinc finger protein 1; minus strand), DNM1 (dynamin 1; plus strand). Cytogenetic location: 9q34.11.
Variant type: single nucleotide variant.
Coding change: c.17T>A on transcript NM_004408.4 (MANE Select); coding-DNA position 17, T replaced by A.
Protein change: p.Met6Lys; replaces methionine 6 with lysine.
Molecular consequence: missense variant. On other transcripts: intron variant (2).
Genome position (GRCh38, 1-based): chr9:128,203,487, T>A. VCF-style: chr9-128203487-T-A. GRCh37 (hg19) VCF-style: chr9-130965766-T-A.
Other names: c.17T>A, p.Met6Lys (NM_001005336.3, NM_001288737.2, NM_001288738.2 and 2 more transcripts); c.-6+699A>T (NM_001131015.2, NM_012127.3); short protein forms M6K.
Identifiers: ClinVar variation 4292353 (VCV004292353.1).
Genomic context (GRCh38, chr9:128,203,487, plus strand): 5'-CGCTAGCGGCAGCCGGATCGCAGCCTGCGGGGCCCGCCGCAGCCATGGGCAACCGCGGCA[T>A]GGAAGATCTCATCCCGCTGGTCAACCGGCTGCAAGACGCCTTCTCTGCCATCGGCCAGAA-3'
Protein context (NP_004399.2, residues 1-16): MGNRG[Met6Lys]EDLIPLVNRL